The following is an entry in ClinVar:

ClinVar aggregate classification (germline): Uncertain significance (1 of 4 stars; one submission).

Conditions:
Hereditary breast ovarian cancer syndrome. Also called: Hereditary breast and ovarian cancer syndrome; Hereditary breast and/or ovarian cancer syndrome; BRCA1- and BRCA2-Associated Hereditary Breast and Ovarian Cancer; Hereditary breast and ovarian cancer; Breast and ovarian cancer; Hereditary breast and ovarian cancer syndrome (HBOC). Identifiers: Orphanet 145, MedGen C0677776, MeSH D061325, MONDO:0003582. Disease mechanism: loss of function.

Submission:

Labcorp Genetics (formerly Invitae), Labcorp
Classification: Uncertain significance for Hereditary breast ovarian cancer syndrome. Last evaluated: 2024-10-07. Review status: criteria provided, single submitter. Criteria: Invitae Variant Classification Sherloc (09022015). Collection method: clinical testing. Allele origin: germline.
Comment: This variant, c.1108_1116del, results in the deletion of 3 amino acid(s) of the BRCA2 protein (p.Val370_Asn372del), but otherwise preserves the integrity of the reading frame. This variant is not present in population databases (gnomAD no frequency). This variant has not been reported in the literature in individuals affected with BRCA2-related conditions. In summary, the available evidence is currently insufficient to determine the role of this variant in disease. Therefore, it has been classified as a Variant of Uncertain Significance.

NM_000059.4(BRCA2):c.1108_1116del (p.Val370_Asn372del)

Gene: BRCA2 (BRCA2 DNA repair associated; plus strand). Cytogenetic location: 13q13.1.
Variant type: Deletion.
Coding change: c.1108_1116del on transcript NM_000059.4 (MANE Select); coding-DNA positions 1108 to 1116, 9 bases deleted (GTAGCAAAT; older notation c.1108_1116delGTAGCAAAT).
Protein change: p.Val370_Asn372del.
Molecular consequence: non-coding transcript variant (on NR_176251.1). On other transcripts: intron variant (1).
Genome position (GRCh38, 1-based): chr13:32,332,586-32,332,594, GTAGCAAAT deleted; deleting any 9 consecutive bases within chr13:32,332,581-32,332,594 gives the same sequence; the c. name uses the placement nearest the transcript's 3' end. VCF-style (leftmost placement, unchanged base first): chr13-32332580-TCAAATGTAG-T. GRCh37 (hg19) VCF-style: chr13-32906717-TCAAATGTAG-T.
Other names: c.1108_1116del, p.Val370_Asn372del (NM_001406719.1, NM_001406720.1, NM_001406721.1 and 1 more transcripts); c.424+1556_424+1564del (NM_001406722.1).
Identifiers: ClinVar variation 3706026 (VCV003706026.2).